The following is an entry in ClinVar:

NM_015338.6(ASXL1):c.949G>T (p.Ala317Ser)

Gene: ASXL1 (ASXL transcriptional regulator 1; plus strand). Cytogenetic location: 20q11.21.
Variant type: single nucleotide variant.
Coding change: c.949G>T on transcript NM_015338.6 (MANE Select); coding-DNA position 949, G replaced by T.
Protein change: p.Ala317Ser; replaces alanine 317 with serine.
Molecular consequence: missense variant.
Genome position (GRCh38, 1-based): chr20:32,431,649, G>T. VCF-style: chr20-32431649-G-T. GRCh37 (hg19) VCF-style: chr20-31019452-G-T.
Other names: c.766G>T, p.Ala256Ser (NM_001363734.1); short protein forms A256S, A317S.
Identifiers: ClinVar variation 2172582 (VCV002172582.4), dbSNP rs1257658232, ClinGen allele CA408554647.

ClinVar aggregate classification (germline): Uncertain significance (1 of 4 stars; one submission).

Allele frequency attached by ClinVar (database versions not stated): gnomAD exomes below 0.00001; TOPMed below 0.00001.
gnomAD v4.1: 1 of 1,613,624 alleles (0.000062%); highest among the groups gnomAD compares: Admixed American, 0.0017%; no homozygotes.

Submission:

Labcorp Genetics (formerly Invitae), Labcorp
Classification: Uncertain significance. Last evaluated: 2022-06-24. Review status: criteria provided, single submitter. Criteria: Invitae Variant Classification Sherloc (09022015). Collection method: clinical testing. Allele origin: germline.
Comment: This sequence change replaces alanine, which is neutral and non-polar, with serine, which is neutral and polar, at codon 317 of the ASXL1 protein (p.Ala317Ser). This variant is present in population databases (no rsID available, gnomAD 0.003%). This variant has not been reported in the literature in individuals affected with ASXL1-related conditions. Algorithms developed to predict the effect of missense changes on protein structure and function are either unavailable or do not agree on the potential impact of this missense change (SIFT: "Tolerated"; PolyPhen-2: "Probably Damaging"; Align-GVGD: "Class C0"). In summary, the available evidence is currently insufficient to determine the role of this variant in disease. Therefore, it has been classified as a Variant of Uncertain Significance.